The following is an entry in ClinVar:

ClinVar aggregate classification (germline): Uncertain significance (1 of 4 stars; one submission).

Conditions:
Hereditary hyperferritinemia with congenital cataracts. Also called: Hereditary hyperferritinemia cataract syndrome; Bonneau-Beaumont syndrome; HYPERFERRITINEMIA WITH OR WITHOUT CATARACT. Identifiers: Orphanet 163, MedGen C1833213, MONDO:0010952, OMIM 600886.
Neuroferritinopathy (NBIA3). Also called: NEURODEGENERATION WITH BRAIN IRON ACCUMULATION 3; BASAL GANGLIA DISEASE, ADULT-ONSET. Identifiers: Orphanet 157846, MedGen C1853578, MONDO:0011638, OMIM 606159.

Submission:

Labcorp Genetics (formerly Invitae), Labcorp
Classification: Uncertain significance for Neuroferritinopathy; Hereditary hyperferritinemia with congenital cataracts. Last evaluated: 2019-05-05. Review status: criteria provided, single submitter. Criteria: Invitae Variant Classification Sherloc (09022015). Collection method: clinical testing. Allele origin: germline.
Comment: In summary, the available evidence is currently insufficient to determine the role of this variant in disease. Therefore, it has been classified as a Variant of Uncertain Significance. Nucleotide substitutions within the consensus splice site are a relatively common cause of aberrant splicing (PMID: 17576681, 9536098). Algorithms developed to predict the effect of sequence changes on RNA splicing suggest that this variant may disrupt the consensus splice site, but this prediction has not been confirmed by published transcriptional studies. This variant has not been reported in the literature in individuals with FTL-related conditions. This variant is not present in population databases (ExAC no frequency). This sequence change falls in intron 2 of the FTL gene. It does not directly change the encoded amino acid sequence of the FTL protein, but it affects a nucleotide within the consensus splice site of the intron.

Literature cited by the submitters: PubMed 17576681; PubMed 9536098.

NM_000146.4(FTL):c.249+3A>G

Gene: FTL (ferritin light chain; plus strand). Cytogenetic location: 19q13.33.
Variant type: single nucleotide variant.
Coding change: c.249+3A>G on transcript NM_000146.4 (MANE Select); 3 bases into the intron after coding-DNA position 249, A replaced by G.
Molecular consequence: intron variant.
Genome position (GRCh38, 1-based): chr19:48,965,919, A>G. VCF-style: chr19-48965919-A-G. GRCh37 (hg19) VCF-style: chr19-49469176-A-G.
Identifiers: ClinVar variation 860119 (VCV000860119.8), dbSNP rs2038447850, ClinGen allele CA916083706.
Genomic context (GRCh38, chr19:48,965,919, plus strand): 5'-GCGTCTCCTGAAGATGCAAAACCAGCGTGGCGGCCGCGCTCTCTTCCAGGACATCAAGGT[A>G]ACTAGTGTGTGGGTAATGGACTACATCTCCCAGCAGGCCGTGCGCGCGAGGAGCCTTGAT-3'